The following is an entry in ClinVar:

ClinVar aggregate classification (germline): Likely pathogenic. Review status: criteria provided, multiple submitters, no conflicts (2 of 4 stars). 3 submissions from 3 submitters: Likely pathogenic (2). 1 of the submissions does not count toward it. Last evaluated 2020-04-02.

Conditions:
Inborn genetic diseases. Identifiers: MedGen C0950123, MeSH D030342.
Arts syndrome (ARTS). Also called: MENTAL RETARDATION, X-LINKED, SYNDROMIC 18; MENTAL RETARDATION, X-LINKED, SYNDROMIC, ARTS TYPE; ARTS SYNDROME AND PHOSPHORIBOSYLPYROPHOSPHATE SYNTHETASE SUPERACTIVITY. Identifiers: Orphanet 1187, MedGen C0796028, MONDO:0010533, OMIM 301835.
Phosphoribosylpyrophosphate synthetase superactivity. Identifiers: Orphanet 3222, MedGen C1970827, MONDO:0010395, OMIM 300661.

Submissions (3):

Baylor Genetics
Classification: Likely pathogenic for Arts syndrome. Last evaluated: 2020-04-02. Review status: criteria provided, single submitter. Criteria: ACMG Guidelines, 2015. Collection method: clinical testing. Allele origin: unknown. Affected: yes.
Comment: This variant was determined to be likely pathogenic according to ACMG Guidelines, 2015 [PMID:25741868].

Ambry Genetics
Classification: Likely pathogenic for Inborn genetic diseases. Last evaluated: 2017-05-10. Review status: criteria provided, single submitter. Criteria: Ambry exome assertion method (8-5-2015). Collection method: clinical testing. Allele origin: germline. Affected: yes. Observed: 1 variant allele.

OMIM
Classification: Pathogenic for PHOSPHORIBOSYLPYROPHOSPHATE SYNTHETASE SUPERACTIVITY. Last evaluated: 1993-12-15. Review status: no assertion criteria provided. Collection method: literature only. Allele origin: germline. Not counted in ClinVar's aggregate classification.

Literature cited by the submitters: PubMed 19161981 (cited by Ambry Genetics); PubMed 1664177 (cited by Ambry Genetics); PubMed 26089585 (cited by Ambry Genetics); PubMed 8253776 (cited by Ambry Genetics and OMIM); PubMed 6243137 (cited by OMIM); Roessler, B. J., Palella, T. D., Heidler, S., Becker, M. A. Identification of distinct PRPS1 mutations in two patients with X-linked phosphoribosylpyrophosphate synthetase superactivity. (Abstract) Clin. Res. 39: 267A, 1991. (cited by OMIM); Becker, M. A., Yen, R. C. K., Goss, S. J., Seegmiller, J. E., Itkin, P., Lazar, C., Adams, W. B. Localization of the structural gene for human phosphoribosylpyrophosphate synthetase on the X-chromosome. (Abstract) Clin. Res. 26: 500A, 1978. (cited by OMIM).

NM_002764.4(PRPS1):c.341A>G (p.Asn114Ser)

Gene: PRPS1 (phosphoribosyl pyrophosphate synthetase 1; plus strand). Cytogenetic location: Xq22.3.
Variant type: single nucleotide variant.
Coding change: c.341A>G on transcript NM_002764.4 (MANE Select); coding-DNA position 341, A replaced by G.
Protein change: p.Asn114Ser; replaces asparagine 114 with serine.
Molecular consequence: missense variant. On other transcripts: intron variant (1).
Genome position (GRCh38, 1-based): chrX:107,640,936, A>G. VCF-style: chrX-107640936-A-G. GRCh37 (hg19) VCF-style: chrX-106884166-A-G.
Other names: c.-82-4241A>G (NM_001204402.2); short protein forms N114S.
Identifiers: ClinVar variation 9928 (VCV000009928.5), dbSNP rs137852540, ClinGen allele CA254933.